The following is an entry in ClinVar:

ClinVar aggregate classification (germline): Uncertain significance (1 of 4 stars; one submission).

gnomAD v4.1: 1 of 1,611,926 alleles (0.000062%); highest among the groups gnomAD compares: Non-Finnish European, 0.000085%; no homozygotes.

Submission:

Labcorp Genetics (formerly Invitae), Labcorp
Classification: Uncertain significance. Last evaluated: 2023-01-12. Review status: criteria provided, single submitter. Criteria: Invitae Variant Classification Sherloc (09022015). Collection method: clinical testing. Allele origin: germline.
Comment: In summary, the available evidence is currently insufficient to determine the role of this variant in disease. Therefore, it has been classified as a Variant of Uncertain Significance. Variants that disrupt the consensus splice site are a relatively common cause of aberrant splicing (PMID: 17576681, 9536098). Algorithms developed to predict the effect of sequence changes on RNA splicing suggest that this variant is not likely to affect RNA splicing. This variant has not been reported in the literature in individuals affected with TRPM1-related conditions. This variant is not present in population databases (gnomAD no frequency). This sequence change falls in intron 13 of the TRPM1 gene. It does not directly change the encoded amino acid sequence of the TRPM1 protein. It affects a nucleotide within the consensus splice site.

Literature cited by the submitters: PubMed 17576681; PubMed 9536098.

NM_001252024.2(TRPM1):c.1623+4A>G

Gene: TRPM1 (transient receptor potential cation channel subfamily M member 1; minus strand). Cytogenetic location: 15q13.3.
Variant type: single nucleotide variant.
Coding change: c.1623+4A>G on transcript NM_001252024.2 (MANE Select); 4 bases into the intron after coding-DNA position 1623, A replaced by G.
Molecular consequence: intron variant.
Genome position (GRCh38, 1-based): chr15:31,047,885, T>C on the plus strand (A>G on the coding strand, the complement: TRPM1 is on the minus strand). VCF-style: chr15-31047885-T-C. GRCh37 (hg19) VCF-style: chr15-31340088-T-C.
Other names: c.1674+4A>G (NM_001252020.2); c.1557+4A>G (NM_002420.6).
Identifiers: ClinVar variation 2156483 (VCV002156483.2), dbSNP rs2504139448, ClinGen allele CA2575660764.